The following is an entry in ClinVar:

ClinVar aggregate classification (germline): Uncertain significance. Review status: criteria provided, multiple submitters, no conflicts (2 of 4 stars). 5 submissions from 5 submitters: Uncertain significance (4). 1 of the submissions does not count toward it. Last evaluated 2024-12-02.

Conditions:
Inborn genetic diseases. Identifiers: MedGen C0950123, MeSH D030342.
Meckel-Gruber syndrome. Also called: Dysencephalia splachnocystica; DYSENCEPHALIA SPLANCHNOCYSTICA; GRUBER SYNDROME. Identifiers: Orphanet 564, MedGen C0265215, MONDO:0018921.
Joubert syndrome. Also called: Familial aplasia of the vermis; JOUBERT-BOLTSHAUSER SYNDROME. Identifiers: Orphanet 475, MedGen C5979921, MONDO:0018772.
CC2D2A-related disorder. Also called: CC2D2A-related disorders; CC2D2A-related condition. Identifiers: MedGen CN239313.

Allele frequency attached by ClinVar (database versions not stated): gnomAD exomes 0.00002 and 0.00003; ExAC 0.00005; TOPMed 0.00005; gnomAD 0.00007; ESP Exome Variant Server 0.00025.
gnomAD v4.1: 44 of 1,597,586 alleles (0.0028%); highest among the groups gnomAD compares: Non-Finnish European, 0.0034%; no homozygotes.

Submissions (5):

Labcorp Genetics (formerly Invitae), Labcorp
Classification: Uncertain significance for Joubert syndrome; Meckel-Gruber syndrome. Last evaluated: 2024-12-02. Review status: criteria provided, single submitter. Criteria: Invitae Variant Classification Sherloc (09022015). Collection method: clinical testing. Allele origin: germline.
Comment: This sequence change replaces arginine, which is basic and polar, with histidine, which is basic and polar, at codon 1514 of the CC2D2A protein (p.Arg1514His). This variant is present in population databases (rs368191427, gnomAD 0.006%). This variant has not been reported in the literature in individuals affected with CC2D2A-related conditions. ClinVar contains an entry for this variant (Variation ID: 576379). Invitae Evidence Modeling of protein sequence and biophysical properties (such as structural, functional, and spatial information, amino acid conservation, physicochemical variation, residue mobility, and thermodynamic stability) indicates that this missense variant is not expected to disrupt CC2D2A protein function with a negative predictive value of 95%. In summary, the available evidence is currently insufficient to determine the role of this variant in disease. Therefore, it has been classified as a Variant of Uncertain Significance.

Ambry Genetics
Classification: Uncertain significance for Inborn genetic diseases. Last evaluated: 2024-08-26. Review status: criteria provided, single submitter. Criteria: Ambry Variant Classification Scheme 2023. Collection method: clinical testing. Allele origin: germline.

Blueprint Genetics
Classification: Uncertain significance. Last evaluated: 2024-01-09. Review status: criteria provided, single submitter. Criteria: ACMG Guidelines, 2015. Collection method: clinical testing. Allele origin: germline.

Eurofins Ntd Llc (ga)
Classification: Uncertain significance. Last evaluated: 2018-07-19. Review status: criteria provided, single submitter. Criteria: EGL ClinVar v180209 classification definitions. Collection method: clinical testing. Allele origin: germline. Observed: 1 variant allele, 1 heterozygote.

PreventionGenetics, part of Exact Sciences
Classification: Uncertain significance for CC2D2A-related condition. Last evaluated: 2024-04-16. Review status: no assertion criteria provided. Collection method: clinical testing. Allele origin: germline. Not counted in ClinVar's aggregate classification.
Comment: The CC2D2A c.4541G>A variant is predicted to result in the amino acid substitution p.Arg1514His. To our knowledge, this variant has not been reported in the literature. This variant is reported in 0.0063% of alleles in individuals of European (Non-Finnish) descent in gnomAD. At this time, the clinical significance of this variant is uncertain due to the absence of conclusive functional and genetic evidence.

NM_001378615.1(CC2D2A):c.4541G>A (p.Arg1514His)

Genes: CC2D2A (coiled-coil and C2 domain containing 2A; plus strand), FBXL5 (F-box and leucine rich repeat protein 5; minus strand). Cytogenetic location: 4p15.32.
Variant type: single nucleotide variant.
Coding change: c.4541G>A on transcript NM_001378615.1 (MANE Select); coding-DNA position 4541, G replaced by A.
Protein change: p.Arg1514His; replaces arginine 1514 with histidine.
Molecular consequence: missense variant.
Genome position (GRCh38, 1-based): chr4:15,599,573, G>A. VCF-style: chr4-15599573-G-A. GRCh37 (hg19) VCF-style: chr4-15601196-G-A.
Other names: c.4541G>A, p.Arg1514His (NM_001080522.2); c.4394G>A, p.Arg1465His (NM_001378617.1); short protein forms R1514H, R1465H.
Identifiers: ClinVar variation 576379 (VCV000576379.14), dbSNP rs368191427, ClinGen allele CA2864411.